The following is an entry in ClinVar:

ClinVar aggregate classification (germline): Uncertain significance. Review status: criteria provided, multiple submitters, no conflicts (2 of 4 stars). 2 submissions from 2 submitters: Uncertain significance (2). Last evaluated 2026-04-30.

Allele frequency attached by ClinVar (database versions not stated): gnomAD exomes below 0.00001; gnomAD 0.00001.
gnomAD v4.1: 2 of 1,614,070 alleles (0.00012%); highest among the groups gnomAD compares: African/African-American, 0.0027%; no homozygotes.

Submissions (2):

Women's Health and Genetics/Laboratory Corporation of America, LabCorp
Classification: Uncertain significance. Last evaluated: 2026-04-30. Review status: criteria provided, single submitter. Criteria: LabCorp Variant Classification Summary - May 2015. Collection method: clinical testing. Allele origin: germline.
Comment: Variant summary: TNNI3K c.2012-2A>G is located in a canonical splice-site and is predicted to affect mRNA splicing resulting in a significantly altered protein due to either exon skipping, shortening, or inclusion of intronic material. Variants that disrupt the consensus splice site are a relatively common cause of aberrant splicing, however current evidence is not sufficient to establish loss of function in this gene as a mechanism for disease. Several computational tools predict a significant impact on normal splicing: Three predict the variant abolishes a 3' acceptor site. However, these predictions have yet to be confirmed by functional studies. The variant allele was found at a frequency of 3.2e-05 in 31398 control chromosomes. The available data on variant occurrences in the general population are insufficient to allow any conclusion about variant significance. To our knowledge, no occurrence of c.2012-2A>G in individuals affected with TNNI3K-related conditions and no experimental evidence demonstrating its impact on protein function have been reported. ClinVar contains an entry for this variant (Variation ID: 1476758). Based on the evidence outlined above, the variant was classified as uncertain significance.

Labcorp Genetics (formerly Invitae), Labcorp
Classification: Uncertain significance. Last evaluated: 2023-12-06. Review status: criteria provided, single submitter. Criteria: Invitae Variant Classification Sherloc (09022015). Collection method: clinical testing. Allele origin: germline.
Comment: This sequence change affects an acceptor splice site in intron 20 of the TNNI3K gene. It is expected to disrupt RNA splicing. Variants that disrupt the donor or acceptor splice site typically lead to a loss of protein function (PMID: 16199547), however the current clinical and genetic evidence is not sufficient to establish whether loss-of-function variants in TNNI3K cause disease. This variant is present in population databases (no rsID available, gnomAD 0.01%). This variant has not been reported in the literature in individuals affected with TNNI3K-related conditions. ClinVar contains an entry for this variant (Variation ID: 1476758). Algorithms developed to predict the effect of sequence changes on RNA splicing suggest that this variant may disrupt the consensus splice site. In summary, the available evidence is currently insufficient to determine the role of this variant in disease. Therefore, it has been classified as a Variant of Uncertain Significance.

Literature cited by the submitters: PubMed 16199547 (cited by Labcorp Genetics (formerly Invitae), Labcorp).

NM_015978.3(TNNI3K):c.2012-2A>G

Genes: FPGT-TNNI3K (FPGT-TNNI3K readthrough; plus strand), TNNI3K (TNNI3 interacting kinase; plus strand). Cytogenetic location: 1p31.1.
Variant type: single nucleotide variant.
Coding change: c.2012-2A>G on transcript NM_015978.3 (MANE Select); the canonical splice acceptor site of the intron before coding-DNA position 2012, A replaced by G.
Molecular consequence: splice acceptor variant.
Genome position (GRCh38, 1-based): chr1:74,463,439, A>G. VCF-style: chr1-74463439-A-G. GRCh37 (hg19) VCF-style: chr1-74929123-A-G.
Other names: c.2315-2A>G (NM_001112808.3, NM_001199327.2).
Identifiers: ClinVar variation 1476758 (VCV001476758.9), dbSNP rs1340827162, ClinGen allele CA340787406.